The following is an entry in ClinVar:

NM_025114.4(CEP290):c.3442C>G (p.Leu1148Val)

Gene: CEP290 (centrosomal protein 290; minus strand). Cytogenetic location: 12q21.32.
Variant type: single nucleotide variant.
Coding change: c.3442C>G on transcript NM_025114.4 (MANE Select); coding-DNA position 3442, C replaced by G.
Protein change: p.Leu1148Val; replaces leucine 1148 with valine.
Molecular consequence: missense variant.
Genome position (GRCh38, 1-based): chr12:88,092,700, G>C on the plus strand (C>G on the coding strand, the complement: CEP290 is on the minus strand). VCF-style: chr12-88092700-G-C. GRCh37 (hg19) VCF-style: chr12-88486477-G-C.
Other names: short protein forms L1148V.
Identifiers: ClinVar variation 126255 (VCV000126255.21), dbSNP rs372190684, ClinGen allele CA150905.

ClinVar aggregate classification (germline): Conflicting classifications of pathogenicity. Review status: criteria provided, conflicting classifications (1 of 4 stars). 5 submissions from 5 submitters: Uncertain significance (2); Likely benign (1). 2 of the submissions do not count toward it. Last evaluated 2026-01-21.

Conditions:
Leber congenital amaurosis (LCA). Also called: Leber's amaurosis. Identifiers: Orphanet 65, MedGen C0339527, MeSH D057130, MONDO:0018998.
Meckel-Gruber syndrome. Also called: Dysencephalia splachnocystica; GRUBER SYNDROME; DYSENCEPHALIA SPLANCHNOCYSTICA. Identifiers: Orphanet 564, MedGen C0265215, MONDO:0018921.
CEP290-related disorder. Also called: CEP290-related disorders; CEP290-related condition. Identifiers: MedGen CN239314.
Joubert syndrome. Also called: Familial aplasia of the vermis; JOUBERT-BOLTSHAUSER SYNDROME. Identifiers: Orphanet 475, MedGen C5979921, MONDO:0018772.
Nephronophthisis. Also called: Juvenile Nephronophthisis. Identifiers: Orphanet 655, MedGen C0687120, MONDO:0019005, HP:0000090.

Allele frequency attached by ClinVar (database versions not stated): TOPMed 0.00003; ESP Exome Variant Server 0.00008; gnomAD exomes 0.00011 and 0.00025; gnomAD 0.00013 and 0.00014; ExAC 0.00017.
gnomAD v4.1: 178 of 1,608,722 alleles (0.011%); highest among the groups gnomAD compares: Non-Finnish European, 0.0056%; no homozygotes.

Submissions (5):

Labcorp Genetics (formerly Invitae), Labcorp
Classification: Likely benign for Joubert syndrome; Meckel-Gruber syndrome; Nephronophthisis. Last evaluated: 2026-01-21. Review status: criteria provided, single submitter. Criteria: Invitae Variant Classification Sherloc (09022015). Collection method: clinical testing. Allele origin: germline.

Blueprint Genetics
Classification: Uncertain significance. Last evaluated: 2024-11-14. Review status: criteria provided, single submitter. Criteria: ACMG Guidelines, 2015. Collection method: clinical testing. Allele origin: germline.

Genetic Services Laboratory, University of Chicago
Classification: Uncertain significance for Meckel Gruber syndrome. Last evaluated: 2013-12-24. Review status: criteria provided, single submitter. Criteria: ACMG Guidelines, 2007. Collection method: clinical testing. Allele origin: germline. Inheritance: Autosomal recessive inheritance. Observed: 1 variant allele.

PreventionGenetics, part of Exact Sciences
Classification: Likely benign for CEP290-related condition. Last evaluated: 2022-10-10. Review status: no assertion criteria provided. Collection method: clinical testing. Allele origin: germline. Not counted in ClinVar's aggregate classification.
Comment: This variant is classified as likely benign based on ACMG/AMP sequence variant interpretation guidelines (Richards et al. 2015 PMID: 25741868, with internal and published modifications).

Natera, Inc.
Classification: Likely benign for Leber congenital amaurosis. Last evaluated: 2020-02-16. Review status: no assertion criteria provided. Collection method: clinical testing. Allele origin: germline. Not counted in ClinVar's aggregate classification.